The following is an entry in ClinVar:

NM_021831.6(AGBL5):c.1261C>G (p.Pro421Ala)

Gene: AGBL5 (AGBL carboxypeptidase 5; plus strand). Cytogenetic location: 2p23.3.
Variant type: single nucleotide variant.
Coding change: c.1261C>G on transcript NM_021831.6 (MANE Select); coding-DNA position 1261, C replaced by G.
Protein change: p.Pro421Ala; replaces proline 421 with alanine.
Molecular consequence: missense variant. On other transcripts: non-coding transcript variant (2).
Genome position (GRCh38, 1-based): chr2:27,056,034, C>G. VCF-style: chr2-27056034-C-G. GRCh37 (hg19) VCF-style: chr2-27278902-C-G.
Other names: c.1261C>G, p.Pro421Ala (NM_001035507.3); short protein forms P421A.
Identifiers: ClinVar variation 1504917 (VCV001504917.9), dbSNP rs757989531, ClinGen allele CA346180548.
Genomic context (GRCh38, chr2:27,056,034, plus strand): 5'-AGTGTGTGGATTATGCCACAACAGTCTGCGGGGCTTGAAGAGTCAGCCCCTGATACCATC[C>G]CCCCCAAAGAGAGTGGCGTTGCTTACTATGTGGACCTGCATGGACATGCTTCCAAAAGGG-3'
Protein context (NP_068603.4, residues 411-431): GLEESAPDTI[Pro421Ala]PKESGVAYYV

ClinVar aggregate classification (germline): Uncertain significance. Review status: criteria provided, multiple submitters, no conflicts (2 of 4 stars). 2 submissions from 2 submitters: Uncertain significance (2). Last evaluated 2024-02-24.

Submissions (2):

Labcorp Genetics (formerly Invitae), Labcorp
Classification: Uncertain significance. Last evaluated: 2024-02-24. Review status: criteria provided, single submitter. Criteria: Invitae Variant Classification Sherloc (09022015). Collection method: clinical testing. Allele origin: germline.
Comment: This sequence change replaces proline, which is neutral and non-polar, with alanine, which is neutral and non-polar, at codon 421 of the AGBL5 protein (p.Pro421Ala). This variant is not present in population databases (gnomAD no frequency). This variant has not been reported in the literature in individuals affected with AGBL5-related conditions. ClinVar contains an entry for this variant (Variation ID: 1504917). An algorithm developed to predict the effect of missense changes on protein structure and function (PolyPhen-2) suggests that this variant is likely to be tolerated. In summary, the available evidence is currently insufficient to determine the role of this variant in disease. Therefore, it has been classified as a Variant of Uncertain Significance.

Blueprint Genetics
Classification: Uncertain significance. Last evaluated: 2021-08-24. Review status: criteria provided, single submitter. Criteria: ACMG Guidelines, 2015. Collection method: clinical testing. Allele origin: germline.